The following is an entry in ClinVar:

NM_006509.4(RELB):c.421C>T (p.Arg141Cys)

Gene: RELB (RELB proto-oncogene, NF-kB subunit; plus strand). Cytogenetic location: 19q13.32.
Variant type: single nucleotide variant.
Coding change: c.421C>T on transcript NM_006509.4 (MANE Select); coding-DNA position 421, C replaced by T.
Protein change: p.Arg141Cys; replaces arginine 141 with cysteine.
Molecular consequence: missense variant.
Genome position (GRCh38, 1-based): chr19:45,012,193, C>T. VCF-style: chr19-45012193-C-T. GRCh37 (hg19) VCF-style: chr19-45515451-C-T.
Other names: c.412C>T, p.Arg138Cys (NM_001411087.1); short protein forms R138C, R141C.
Identifiers: ClinVar variation 2827060 (VCV002827060.3), dbSNP rs2513638491, ClinGen allele CA406322430.

ClinVar aggregate classification (germline): Uncertain significance (1 of 4 stars; one submission).

Submission:

Labcorp Genetics (formerly Invitae), Labcorp
Classification: Uncertain significance. Last evaluated: 2023-01-11. Review status: criteria provided, single submitter. Criteria: Invitae Variant Classification Sherloc (09022015). Collection method: clinical testing. Allele origin: germline.
Comment: In summary, the available evidence is currently insufficient to determine the role of this variant in disease. Therefore, it has been classified as a Variant of Uncertain Significance. Algorithms developed to predict the effect of missense changes on protein structure and function (SIFT, PolyPhen-2, Align-GVGD) all suggest that this variant is likely to be disruptive. This variant has not been reported in the literature in individuals affected with RELB-related conditions. This variant is not present in population databases (gnomAD no frequency). This sequence change replaces arginine, which is basic and polar, with cysteine, which is neutral and slightly polar, at codon 141 of the RELB protein (p.Arg141Cys).